The following is an entry in ClinVar:

ClinVar aggregate classification (germline): Uncertain significance (1 of 4 stars; one submission).

Conditions:
Autosomal dominant limb-girdle muscular dystrophy type 1G (LGMDD3). Also called: Limb-girdle muscular dystrophy, type 1G; MUSCULAR DYSTROPHY, LIMB-GIRDLE, AUTOSOMAL DOMINANT 3. Identifiers: Orphanet 55596, MedGen C1836765, MONDO:0012193, OMIM 609115.

Allele frequency attached by ClinVar (database versions not stated): gnomAD 0.00001; TOPMed 0.00001.
gnomAD v4.1: 8 of 1,377,234 alleles (0.00058%); highest among the groups gnomAD compares: African/African-American, 0.0046%; no homozygotes.

Submission:

Labcorp Genetics (formerly Invitae), Labcorp
Classification: Uncertain significance for Autosomal dominant limb-girdle muscular dystrophy type 1G. Last evaluated: 2024-10-29. Review status: criteria provided, single submitter. Criteria: Invitae Variant Classification Sherloc (09022015). Collection method: clinical testing. Allele origin: germline.
Comment: This sequence change replaces proline, which is neutral and non-polar, with leucine, which is neutral and non-polar, at codon 32 of the HNRNPDL protein (p.Pro32Leu). This variant is not present in population databases (gnomAD no frequency). This variant has not been reported in the literature in individuals affected with HNRNPDL-related conditions. ClinVar contains an entry for this variant (Variation ID: 2138314). An algorithm developed to predict the effect of missense changes on protein structure and function (PolyPhen-2) suggests that this variant is likely to be disruptive. In summary, the available evidence is currently insufficient to determine the role of this variant in disease. Therefore, it has been classified as a Variant of Uncertain Significance.

NM_031372.4(HNRNPDL):c.95C>T (p.Pro32Leu)

Gene: HNRNPDL (heterogeneous nuclear ribonucleoprotein D like; minus strand). Cytogenetic location: 4q21.22.
Variant type: single nucleotide variant.
Coding change: c.95C>T on transcript NM_031372.4 (MANE Select); coding-DNA position 95, C replaced by T.
Protein change: p.Pro32Leu; replaces proline 32 with leucine.
Molecular consequence: missense variant. On other transcripts: non-coding transcript variant (1).
Genome position (GRCh38, 1-based): chr4:82,429,596, G>A on the plus strand (C>T on the coding strand, the complement: HNRNPDL is on the minus strand). VCF-style: chr4-82429596-G-A. GRCh37 (hg19) VCF-style: chr4-83350749-G-A.
Other names: c.95C>T, p.Pro32Leu (NM_001207000.1); short protein forms P32L.
Identifiers: ClinVar variation 2138314 (VCV002138314.4), dbSNP rs1721622012, ClinGen allele CA357173621.
Genomic context (GRCh38, chr4:82,429,596, plus strand): 5'-TGCCGGGCGGAGCTGGGAGCGAGCGAAGGGAGGAGCGGGGCTAGCTGCCGCGGCGGCCGC[G>A]GCCGCCAATGGGAGAGGCTGCGGGAGGCTAAAGTAGCGGGAGCGGAGGGGAACAATGGCG-3'
Protein context (NP_112740.1, residues 22-42): LASRSLSHWR[Pro32Leu]RPPRQLAPLL